The following is an entry in ClinVar:

ClinVar aggregate classification (germline): Uncertain significance (1 of 4 stars; one submission).

Conditions:
Hereditary cancer-predisposing syndrome. Also called: Hereditary neoplastic syndrome; Tumor predisposition; Hereditary Cancer Syndrome; Neoplastic Syndromes, Hereditary. Identifiers: Orphanet 140162, MedGen C0027672, MeSH D009386, MONDO:0015356.

Submission:

Ambry Genetics
Classification: Uncertain significance for Hereditary cancer-predisposing syndrome. Last evaluated: 2023-06-30. Review status: criteria provided, single submitter. Criteria: Ambry Variant Classification Scheme 2023. Collection method: clinical testing. Allele origin: germline.
Comment: The p.N123K variant (also known as c.369C>A), located in coding exon 1 of the GREM1 gene, results from a C to A substitution at nucleotide position 369. The asparagine at codon 123 is replaced by lysine, an amino acid with similar properties. This amino acid position is conserved. In addition, this alteration is predicted to be tolerated by in silico analysis. Since supporting evidence is limited at this time, the clinical significance of this alteration remains unclear.

NM_013372.7(GREM1):c.369C>A (p.Asn123Lys)

Gene: GREM1 (gremlin 1, DAN family BMP antagonist; plus strand). Cytogenetic location: 15q13.3.
Variant type: single nucleotide variant.
Coding change: c.369C>A on transcript NM_013372.7 (MANE Select); coding-DNA position 369, C replaced by A.
Protein change: p.Asn123Lys; replaces asparagine 123 with lysine.
Molecular consequence: missense variant.
Genome position (GRCh38, 1-based): chr15:32,731,059, C>A. VCF-style: chr15-32731059-C-A. GRCh37 (hg19) VCF-style: chr15-33023260-C-A.
Other names: c.159C>A, p.Asn53Lys (NM_001191322.2); c.246C>A, p.Asn82Lys (NM_001191323.2); c.369C>A, p.Asn123Lys (NM_001368719.1); short protein forms N123K, N53K, N82K.
Identifiers: ClinVar variation 2586800 (VCV002586800.2), dbSNP rs2548707870, ClinGen allele CA391557793.